The following is an entry in ClinVar:

ClinVar aggregate classification (germline): Uncertain significance (1 of 4 stars; one submission).

Submission:

GeneDx
Classification: Uncertain significance. Last evaluated: 2023-02-12. Review status: criteria provided, single submitter. Criteria: GeneDx Variant Classification Process June 2021. Collection method: clinical testing. Allele origin: germline. Affected: yes.
Comment: Not observed at significant frequency in large population cohorts (gnomAD); In silico analysis supports that this missense variant has a deleterious effect on protein structure/function; Has not been previously published as pathogenic or benign to our knowledge

NM_001394062.1(MACF1):c.16106C>T (p.Ser5369Phe)

Gene: MACF1 (microtubule actin crosslinking factor 1; plus strand). Cytogenetic location: 1p34.3.
Variant type: single nucleotide variant.
Coding change: c.16106C>T on transcript NM_001394062.1 (MANE Select); coding-DNA position 16106, C replaced by T.
Protein change: p.Ser5369Phe; replaces serine 5369 with phenylalanine.
Molecular consequence: missense variant.
Genome position (GRCh38, 1-based): chr1:39,422,857, C>T. VCF-style: chr1-39422857-C-T. GRCh37 (hg19) VCF-style: chr1-39888529-C-T.
Other names: c.4502C>T, p.Ser1501Phe (NM_001397473.1); c.9920C>T, p.Ser3307Phe (NM_012090.5); short protein forms S1501F, S3307F, S5369F.
Identifiers: ClinVar variation 2575656 (VCV002575656.1), dbSNP rs2522990432, ClinGen allele CA339792881.